The following is an entry in ClinVar:

ClinVar aggregate classification (germline): Conflicting classifications of pathogenicity. Review status: criteria provided, conflicting classifications (1 of 4 stars). 4 submissions from 4 submitters: Uncertain significance (1); Likely benign (2). 1 of the submissions does not count toward it. Last evaluated 2026-02-01.

Conditions:
Ullrich congenital muscular dystrophy 2 (UCMD2). Identifiers: Orphanet 75840, MedGen C4225314, MONDO:0014654, OMIM 616470.
Bethlem myopathy 2 (BTHLM2). Identifiers: Orphanet 536516, Orphanet 610, MedGen C4225313, MONDO:0034022, OMIM 616471.

Allele frequency attached by ClinVar (database versions not stated): 1000 Genomes Project 30x 0.00109; gnomAD exomes 0.00010 and 0.00036; 1000 Genomes Project 0.00080; gnomAD 0.00011 and 0.00016; ExAC 0.00029; TOPMed 0.00038.
gnomAD v4.1: 173 of 1,613,664 alleles (0.011%); highest among the groups gnomAD compares: East Asian, 0.27%; 1 homozygote.

Submissions (4):

Labcorp Genetics (formerly Invitae), Labcorp
Classification: Likely benign for Bethlem myopathy 2; Ullrich congenital muscular dystrophy 2. Last evaluated: 2026-02-01. Review status: criteria provided, single submitter. Criteria: Invitae Variant Classification Sherloc (09022015). Collection method: clinical testing. Allele origin: germline.

Revvity Omics, Revvity
Classification: Uncertain significance. Last evaluated: 2021-12-10. Review status: criteria provided, single submitter. Criteria: ACMG Guidelines, 2015. Collection method: clinical testing. Allele origin: germline.

GeneDx
Classification: Likely benign. Last evaluated: 2020-07-17. Review status: criteria provided, single submitter. Criteria: GeneDx Variant Classification Process June 2021. Collection method: clinical testing. Allele origin: germline. Affected: yes.

Department of Pathology and Laboratory Medicine, Sinai Health System
Classification: Benign. Review status: no assertion criteria provided. Collection method: clinical testing. Allele origin: unknown. Affected: yes. Study: The Canadian Open Genetics Repository (COGR). Not counted in ClinVar's aggregate classification.
Comment: The COL12A1 p.Val1218Met variant was not identified in the literature nor was it identified in ClinVar. The variant was identified in dbSNP (ID: rs201749138), Cosmic (FATHMM prediction: pathogenic; score=0.79) and LOVD 3.0 (classified as likely benign). The variant was identified in control databases in 95 of 280420 chromosomes at a frequency of 0.000339 (Genome Aggregation Database Feb 27, 2017). The variant was observed in the following populations: East Asian in 81 of 19490 chromosomes (freq: 0.004156), Latino in 6 of 35270 chromosomes (freq: 0.00017), European (non-Finnish) in 7 of 128376 chromosomes (freq: 0.000055) and South Asian in 1 of 30590 chromosomes (freq: 0.000033), but not in the African, Ashkenazi Jewish, European (Finnish), and Other populations. The p.Val1218 residue is not conserved in mammals and computational analyses (PolyPhen-2, SIFT, AlignGVGD, BLOSUM, MutationTaster) provide inconsistent predictions regarding the impact to the protein; this information is not very predictive of pathogenicity. The variant occurs outside of the splicing consensus sequence and 2 of 4 in silico or computational prediction software programs (SpliceSiteFinder, MaxEntScan, NNSPLICE, GeneSplicer) predict a greater than 10% difference in splicing; this is not very predictive of pathogenicity. In summary, based on the above information this variant meets our laboratory's criteria to be classified as benign.

NM_004370.6(COL12A1):c.3652G>A (p.Val1218Met)

Gene: COL12A1 (collagen type XII alpha 1 chain; minus strand). Cytogenetic location: 6q13.
Variant type: single nucleotide variant.
Coding change: c.3652G>A on transcript NM_004370.6 (MANE Select); coding-DNA position 3652, G replaced by A.
Protein change: p.Val1218Met; replaces valine 1218 with methionine.
Molecular consequence: missense variant.
Genome position (GRCh38, 1-based): chr6:75,152,396, C>T on the plus strand (G>A on the coding strand, the complement: COL12A1 is on the minus strand). VCF-style: chr6-75152396-C-T. GRCh37 (hg19) VCF-style: chr6-75862112-C-T.
Other names: c.160G>A, p.Val54Met (NM_080645.3); short protein forms V1218M, V54M.
Identifiers: ClinVar variation 767242 (VCV000767242.17), dbSNP rs201749138, ClinGen allele CA3893657.